The following is an entry in ClinVar:

ClinVar aggregate classification (germline): Uncertain significance. Review status: criteria provided, multiple submitters, no conflicts (2 of 4 stars). 2 submissions from 2 submitters: Uncertain significance (2). Last evaluated 2025-01-27.

Conditions:
Rienhoff syndrome. Also called: LOEYS-DIETZ SYNDROME 5. Identifiers: MedGen C3810012, MONDO:0014262, OMIM 615582.

Submissions (2):

Labcorp Genetics (formerly Invitae), Labcorp
Classification: Uncertain significance for Rienhoff syndrome. Last evaluated: 2025-01-27. Review status: criteria provided, single submitter. Criteria: Invitae Variant Classification Sherloc (09022015). Collection method: clinical testing. Allele origin: germline.
Comment: This sequence change replaces aspartic acid, which is acidic and polar, with histidine, which is basic and polar, at codon 289 of the TGFB3 protein (p.Asp289His). This variant is not present in population databases (gnomAD no frequency). This variant has not been reported in the literature in individuals affected with TGFB3-related conditions. An algorithm developed to predict the effect of missense changes on protein structure and function (PolyPhen-2) suggests that this variant is likely to be disruptive. In summary, the available evidence is currently insufficient to determine the role of this variant in disease. Therefore, it has been classified as a Variant of Uncertain Significance.

GeneDx
Classification: Uncertain significance. Last evaluated: 2025-01-03. Review status: criteria provided, single submitter. Criteria: GeneDx Variant Classification Process June 2021. Collection method: clinical testing. Allele origin: germline. Affected: yes.
Comment: Not observed at significant frequency in large population cohorts (gnomAD); In silico analysis indicates that this missense variant does not alter protein structure/function; Has not been previously published as pathogenic or benign to our knowledge

NM_003239.5(TGFB3):c.865G>C (p.Asp289His)

Gene: TGFB3 (transforming growth factor beta 3; minus strand). Cytogenetic location: 14q24.3.
Variant type: single nucleotide variant.
Coding change: c.865G>C on transcript NM_003239.5 (MANE Select); coding-DNA position 865, G replaced by C.
Protein change: p.Asp289His; replaces aspartic acid 289 with histidine.
Molecular consequence: missense variant.
Genome position (GRCh38, 1-based): chr14:75,963,377, C>G on the plus strand (G>C on the coding strand, the complement: TGFB3 is on the minus strand). VCF-style: chr14-75963377-C-G. GRCh37 (hg19) VCF-style: chr14-76429720-C-G.
Other names: c.865G>C, p.Asp289His (NM_001329938.2, NM_001329939.2); short protein forms D289H.
Identifiers: ClinVar variation 3670627 (VCV003670627.3).